The following is an entry in ClinVar:

ClinVar aggregate classification (germline): Pathogenic. Review status: criteria provided, multiple submitters, no conflicts (2 of 4 stars). 5 submissions from 5 submitters: Pathogenic (4). 1 of the submissions does not count toward it. Last evaluated 2025-12-12.

Conditions:
Hypertrophic cardiomyopathy 4. Also called: Familial hypertrophic cardiomyopathy 4. Identifiers: MedGen C1861862, MONDO:0007268, OMIM 115197.
Hypertrophic cardiomyopathy. Also called: HYPERTROPHIC MYOCARDIOPATHY. Identifiers: Orphanet 217569, MedGen C0007194, MeSH D002312, MONDO:0005045, HP:0001639.
Cardiovascular phenotype. Identifiers: MedGen CN230736.
Left ventricular noncompaction 10 (LVNC10). Identifiers: Orphanet 154, Orphanet 54260, MedGen C3715165, MONDO:0014163, OMIM 615396.

Allele frequency attached by ClinVar (database versions not stated): TOPMed below 0.00001.

Submissions (5):

Center for Molecular Medicine, Children’s Hospital of Fudan University
Classification: Pathogenic for Left ventricular noncompaction 10. Last evaluated: 2025-12-12. Review status: criteria provided, single submitter. Criteria: ACMG Guidelines 2015. Collection method: clinical testing. Allele origin: paternal. Affected: yes.
Comment: PVS1+PM3+PM2_Supp

Labcorp Genetics (formerly Invitae), Labcorp
Classification: Pathogenic for Hypertrophic cardiomyopathy. Last evaluated: 2024-11-21. Review status: criteria provided, single submitter. Criteria: Invitae Variant Classification Sherloc (09022015). Collection method: clinical testing. Allele origin: germline.
Comment: This sequence change creates a premature translational stop signal (p.Trp818*) in the MYBPC3 gene. It is expected to result in an absent or disrupted protein product. Loss-of-function variants in MYBPC3 are known to be pathogenic (PMID: 19574547). This variant is not present in population databases (gnomAD no frequency). This premature translational stop signal has been observed in individual(s) with hypertrophic cardiomyopathy (PMID: 25078086). ClinVar contains an entry for this variant (Variation ID: 620091). For these reasons, this variant has been classified as Pathogenic.

Ambry Genetics
Classification: Pathogenic for Cardiovascular phenotype. Last evaluated: 2024-01-08. Review status: criteria provided, single submitter. Criteria: Ambry Variant Classification Scheme 2023. Collection method: clinical testing. Allele origin: germline.
Comment: The p.W818* pathogenic mutation (also known as c.2453G>A), located in coding exon 25 of the MYBPC3 gene, results from a G to A substitution at nucleotide position 2453. This changes the amino acid from a tryptophan to a stop codon within coding exon 25. This variant has been reported in individuals with hypertrophic cardiomyopathy (HCM) (Miller EM et al. J Genet Couns, 2013 Apr;22:258-67; Bos JM et al. Mayo Clin Proc, 2014 Jun;89:727-37; Adalsteinsdottir B et al. Circulation, 2014 Sep;130:1158-67; Alfares AA et al. Genet Med, 2015 Nov;17:880-8; Walsh R et al. Genet Med, 2017 Feb;19:192-203; Mazzarotto F et al. Genet Med, 2019 Feb;21:284-292; Helms AS et al. Circ Genom Precis Med, 2020 Oct;13:396-405; Kolokotronis K et al. J Clin Med, 2020 Jul;9:[ePub ahead of print]; Ho CY et al. Nat Med, 2021 Oct;27:1818-1824). This variant is considered to be rare based on population cohorts in the Genome Aggregation Database (gnomAD). In addition to the clinical data presented in the literature, this alteration is expected to result in loss of function by premature protein truncation or nonsense-mediated mRNA decay. As such, this alteration is interpreted as a disease-causing mutation.

GeneDx
Classification: Pathogenic. Last evaluated: 2018-06-14. Review status: criteria provided, single submitter. Criteria: GeneDx Variant Classification (06012015). Collection method: clinical testing. Allele origin: germline. Affected: yes.
Comment: W818X is predicted to cause loss of normal protein function either by protein truncation or nonsense-mediated mRNA decay. Multiple other downstream nonsense variants in the MYBPC3 gene have been reported in Human Gene Mutation Database in association with HCM (Stenson et al., 2014). In addition, a different nucleotide substitution resulting in the same nonsense variant (c.2454 G>A) has been also been reported in the literature in association with HCM (Miller et al., 2013), and has been identified in multiple unrelated individuals with HCM referred for genetic testing at GeneDx. Finally, the W818X variant is not observed in large population cohorts (Lek et al., 2016).In summary, W818X in the MYBPC3 gene is interpreted as a pathogenic variant.

deCODE genetics, Amgen
Classification: Likely pathogenic for Hypertrophic cardiomyopathy 4. Last evaluated: 2023-07-21. Review status: no assertion criteria provided. Collection method: research. Allele origin: germline. Affected: yes. Observed: 3 variant alleles. Not counted in ClinVar's aggregate classification.
Comment: The variant NM_000256.3:c.2453G>A (chr11:47337540) in MYBPC3 was detected in 3 heterozygotes out of 58K WGS Icelanders (MAF= 0,003%). This variant has been reported in ClinVar previously as pathogenic. Based on ACMG criteria (PVS1, PP5) this variant classifies as likely pathogenic.

Literature cited by the submitters: PubMed 19574547 (cited by Labcorp Genetics (formerly Invitae), Labcorp); PubMed 25078086 (cited by Labcorp Genetics (formerly Invitae), Labcorp and Ambry Genetics); PubMed 23054336 (cited by Ambry Genetics); PubMed 24793961 (cited by Ambry Genetics); PubMed 25611685 (cited by Ambry Genetics); PubMed 27532257 (cited by Ambry Genetics); PubMed 29875424 (cited by Ambry Genetics); PubMed 32659924 (cited by Ambry Genetics); PubMed 32841044 (cited by Ambry Genetics); PubMed 34556856 (cited by Ambry Genetics).

NM_000256.3(MYBPC3):c.2453G>A (p.Trp818Ter)

Gene: MYBPC3 (myosin binding protein C3; minus strand). Cytogenetic location: 11p11.2.
Variant type: single nucleotide variant.
Coding change: c.2453G>A on transcript NM_000256.3 (MANE Select); coding-DNA position 2453, G replaced by A.
Protein change: p.Trp818Ter; replaces tryptophan 818 with a stop codon.
Molecular consequence: nonsense.
Genome position (GRCh38, 1-based): chr11:47,337,540, C>T on the plus strand (G>A on the coding strand, the complement: MYBPC3 is on the minus strand). VCF-style: chr11-47337540-C-T. GRCh37 (hg19) VCF-style: chr11-47359091-C-T.
Other names: c.2453G>A, p.Trp818Ter (LRG_386t1); short protein forms W818*.
Identifiers: ClinVar variation 620091 (VCV000620091.28), dbSNP rs1419032418, ClinGen allele CA380318386.